The following is an entry in ClinVar:

ClinVar aggregate classification (germline): Uncertain significance (1 of 4 stars; one submission).

Conditions:
Luscan-Lumish syndrome. Identifiers: Orphanet 597738, MedGen C4085873, MONDO:0014791, OMIM 616831.

Submission:

Labcorp Genetics (formerly Invitae), Labcorp
Classification: Uncertain significance for Luscan-Lumish syndrome. Last evaluated: 2021-08-28. Review status: criteria provided, single submitter. Criteria: Invitae Variant Classification Sherloc (09022015). Collection method: clinical testing. Allele origin: germline.
Comment: This sequence change replaces serine with asparagine at codon 1119 of the SETD2 protein (p.Ser1119Asn). The serine residue is moderately conserved and there is a small physicochemical difference between serine and asparagine. This variant is not present in population databases (ExAC no frequency). This variant has not been reported in the literature in individuals affected with SETD2-related conditions. Algorithms developed to predict the effect of missense changes on protein structure and function output the following: SIFT: "Tolerated"; PolyPhen-2: "Benign"; Align-GVGD: "Class C0". The asparagine amino acid residue is found in multiple mammalian species, which suggests that this missense change does not adversely affect protein function. In summary, the available evidence is currently insufficient to determine the role of this variant in disease. Therefore, it has been classified as a Variant of Uncertain Significance.

NM_014159.7(SETD2):c.3356G>A (p.Ser1119Asn)

Gene: SETD2 (SET domain containing 2, histone lysine methyltransferase; minus strand). Cytogenetic location: 3p21.31.
Variant type: single nucleotide variant.
Coding change: c.3356G>A on transcript NM_014159.7 (MANE Select); coding-DNA position 3356, G replaced by A.
Protein change: p.Ser1119Asn; replaces serine 1119 with asparagine.
Molecular consequence: missense variant. On other transcripts: non-coding transcript variant (1).
Genome position (GRCh38, 1-based): chr3:47,121,280, C>T on the plus strand (G>A on the coding strand, the complement: SETD2 is on the minus strand). VCF-style: chr3-47121280-C-T. GRCh37 (hg19) VCF-style: chr3-47162770-C-T.
Other names: c.3224G>A, p.Ser1075Asn (NM_001349370.3); short protein forms S1075N, S1119N.
Identifiers: ClinVar variation 849439 (VCV000849439.3), dbSNP rs2043073720, ClinGen allele CA352522773.